The following is an entry in ClinVar:

NM_001077525.3(MTMR14):c.529G>A (p.Val177Ile)

Gene: MTMR14 (myotubularin related protein 14; plus strand). Cytogenetic location: 3p25.3.
Variant type: single nucleotide variant.
Coding change: c.529G>A on transcript NM_001077525.3 (MANE Select); coding-DNA position 529, G replaced by A.
Protein change: p.Val177Ile; replaces valine 177 with isoleucine.
Molecular consequence: missense variant. On other transcripts: 5 prime UTR variant (10), non-coding transcript variant (6), intron variant (11).
Genome position (GRCh38, 1-based): chr3:9,669,467, G>A. VCF-style: chr3-9669467-G-A. GRCh37 (hg19) VCF-style: chr3-9711151-G-A.
Other names: c.529G>A, p.Val177Ile (NM_001077526.3, NM_001400519.1, NM_001400520.1 and 4 more transcripts); c.598G>A, p.Val200Ile (NM_001400518.1, NM_001400521.1, NM_001400526.1); c.247G>A, p.Val83Ile (NM_001400525.1, NM_001400529.1, NM_001400532.1 and 1 more transcripts); c.-114G>A (NM_001400534.1, NM_001400538.1, NM_001400540.1 and 5 more transcripts); c.-187G>A (NM_001400547.1, NM_001400548.1); c.-88-1581G>A (NM_001400533.1, NM_001400539.1, NM_001400545.1 and 1 more transcripts); c.-161-1581G>A (NM_001400544.1, NM_001400550.1); c.309-1581G>A (NM_001400524.1, NM_001400527.1, NM_001400530.1 and 1 more transcripts); and 1 more; short protein forms V83I, V177I, V200I.
Identifiers: ClinVar variation 3703149 (VCV003703149.2).

ClinVar aggregate classification (germline): Uncertain significance (1 of 4 stars; one submission).

Submission:

Labcorp Genetics (formerly Invitae), Labcorp
Classification: Uncertain significance. Last evaluated: 2025-10-13. Review status: criteria provided, single submitter. Criteria: Invitae Variant Classification Sherloc (09022015). Collection method: clinical testing. Allele origin: germline.
Comment: This sequence change replaces valine, which is neutral and non-polar, with isoleucine, which is neutral and non-polar, at codon 177 of the MTMR14 protein (p.Val177Ile). This variant is present in population databases (no rsID available, gnomAD 0.02%). This variant has not been reported in the literature in individuals affected with MTMR14-related conditions. ClinVar contains an entry for this variant (Variation ID: 3703149). Invitae Evidence Modeling of protein sequence and biophysical properties (such as structural, functional, and spatial information, amino acid conservation, physicochemical variation, residue mobility, and thermodynamic stability) indicates that this missense variant is not expected to disrupt MTMR14 protein function with a negative predictive value of 80%. In summary, the available evidence is currently insufficient to determine the role of this variant in disease. Therefore, it has been classified as a Variant of Uncertain Significance.